The following is an entry in ClinVar:

NM_002667.5(PLN):c.151C>T (p.Leu51Phe)

Genes: CEP85L (centrosomal protein 85L; minus strand), PLN (phospholamban; plus strand). Cytogenetic location: 6q22.31.
Variant type: single nucleotide variant.
Coding change: c.151C>T on transcript NM_002667.5 (MANE Select); coding-DNA position 151, C replaced by T.
Protein change: p.Leu51Phe; replaces leucine 51 with phenylalanine.
Molecular consequence: missense variant. On other transcripts: intron variant (3).
Genome position (GRCh38, 1-based): chr6:118,559,072, C>T. VCF-style: chr6-118559072-C-T. GRCh37 (hg19) VCF-style: chr6-118880235-C-T.
Other names: c.1029+6457G>A (NM_001178035.2); c.1020+6457G>A (NM_001042475.3, NM_206921.3); short protein forms L51F.
Identifiers: ClinVar variation 1315107 (VCV001315107.5), dbSNP rs766452369, ClinGen allele CA3977979.

ClinVar aggregate classification (germline): Uncertain significance. Review status: criteria provided, multiple submitters, no conflicts (2 of 4 stars). 3 submissions from 3 submitters: Uncertain significance (3). Last evaluated 2025-09-10.

Conditions:
Dilated cardiomyopathy 1P (CMD1P). Identifiers: Orphanet 154, MedGen C1835928, MONDO:0012362, OMIM 609909.

Allele frequency attached by ClinVar (database versions not stated): gnomAD exomes below 0.00001; ExAC 0.00001.
gnomAD v4.1: 2 of 1,610,664 alleles (0.00012%); highest among the groups gnomAD compares: Middle Eastern, 0.017%; no homozygotes.

Submissions (3):

Genomic Medicine Center of Excellence, King Faisal Specialist Hospital and Research Centre
Classification: Uncertain significance for Dilated cardiomyopathy 1P. Last evaluated: 2025-09-10. Review status: criteria provided, single submitter. Criteria: ACMG Guidelines, 2015. Collection method: clinical testing. Allele origin: germline.

Labcorp Genetics (formerly Invitae), Labcorp
Classification: Uncertain significance for Dilated cardiomyopathy 1P. Last evaluated: 2024-12-18. Review status: criteria provided, single submitter. Criteria: Invitae Variant Classification Sherloc (09022015). Collection method: clinical testing. Allele origin: germline.
Comment: This sequence change replaces leucine, which is neutral and non-polar, with phenylalanine, which is neutral and non-polar, at codon 51 of the PLN protein (p.Leu51Phe). This variant is present in population databases (rs766452369, gnomAD 0.003%). This missense change has been observed in individual(s) with dilated cardiomyopathy (internal data). ClinVar contains an entry for this variant (Variation ID: 1315107). An algorithm developed to predict the effect of missense changes on protein structure and function (PolyPhen-2) suggests that this variant is likely to be disruptive. In summary, the available evidence is currently insufficient to determine the role of this variant in disease. Therefore, it has been classified as a Variant of Uncertain Significance.

GeneDx
Classification: Uncertain significance. Last evaluated: 2020-01-24. Review status: criteria provided, single submitter. Criteria: GeneDx Variant Classification Process June 2021. Collection method: clinical testing. Allele origin: germline. Affected: yes.
Comment: Not observed at a significant frequency in large population cohorts (Lek et al., 2016); In silico analysis, which includes splice predictors and evolutionary conservation, supports a deleterious effect; Has not been previously published as pathogenic or benign to our knowledge